The following is an entry in ClinVar:

NC_000010.10:g.(?_135175966)_(135180498_135182426)del

Gene: ECHS1 (enoyl-CoA hydratase, short chain 1; minus strand). Cytogenetic location: 10q26.3.
Variant type: Deletion.
Identifiers: ClinVar variation 397547 (VCV000397547.2).

ClinVar aggregate classification (germline): Pathogenic (1 of 4 stars; one submission).

Conditions:
Mitochondrial short-chain Enoyl-Coa hydratase 1 deficiency. Also called: PxMD-ECHS1; ECHS1 deficiency; Mitochondrial Short-Chain Enoyl-CoA Hydratase Deficiency. Identifiers: Orphanet 255241, Orphanet 653880, MedGen C4225391, MONDO:0014563, OMIM 616277.

Submission:

Center of Genomic medicine, Geneva, University Hospital of Geneva
Classification: Pathogenic for Mitochondrial short-chain Enoyl-Coa hydratase 1 deficiency. Last evaluated: 2016-09-21. Review status: criteria provided, single submitter. Criteria: ACMG Guidelines, 2015. Collection method: clinical testing. Allele origin: germline. Affected: yes.